The following continues an entry in ClinVar:

NM_018051.5(DYNC2I1):c.490G>A (p.Val164Ile)

Gene: DYNC2I1. ClinVar aggregate classification (germline): Benign. Benign (4).

Submissions 33 to 68 of 104:

Dr. Peter K. Rogan Lab, Western University
No classification provided (evidence only). Condition: Hepatocellular carcinoma. Review status: no classification provided. Collection method: in vitro. Allele origin: not applicable. Functional consequence: retained intron. Not counted in ClinVar's aggregate classification.

Dr. Peter K. Rogan Lab, Western University
No classification provided (evidence only). Condition: Hepatocellular carcinoma. Review status: no classification provided. Collection method: in vitro. Allele origin: not applicable. Functional consequence: retained intron. Not counted in ClinVar's aggregate classification.

Dr. Peter K. Rogan Lab, Western University
No classification provided (evidence only). Condition: Hepatocellular carcinoma. Review status: no classification provided. Collection method: in vitro. Allele origin: not applicable. Functional consequence: retained intron. Not counted in ClinVar's aggregate classification.

Dr. Peter K. Rogan Lab, Western University
No classification provided (evidence only). Condition: Hepatocellular carcinoma. Review status: no classification provided. Collection method: in vitro. Allele origin: not applicable. Functional consequence: retained intron. Not counted in ClinVar's aggregate classification.

Dr. Peter K. Rogan Lab, Western University
No classification provided (evidence only). Condition: Hepatocellular carcinoma. Review status: no classification provided. Collection method: in vitro. Allele origin: not applicable. Functional consequence: retained intron. Not counted in ClinVar's aggregate classification.

Dr. Peter K. Rogan Lab, Western University
No classification provided (evidence only). Condition: Hepatocellular carcinoma. Review status: no classification provided. Collection method: in vitro. Allele origin: not applicable. Functional consequence: retained intron. Not counted in ClinVar's aggregate classification.

Dr. Peter K. Rogan Lab, Western University
No classification provided (evidence only). Condition: Hepatocellular carcinoma. Review status: no classification provided. Collection method: in vitro. Allele origin: not applicable. Functional consequence: retained intron. Not counted in ClinVar's aggregate classification.

Dr. Peter K. Rogan Lab, Western University
No classification provided (evidence only). Condition: Hepatocellular carcinoma. Review status: no classification provided. Collection method: in vitro. Allele origin: not applicable. Functional consequence: retained intron. Not counted in ClinVar's aggregate classification.

Dr. Peter K. Rogan Lab, Western University
No classification provided (evidence only). Condition: Hepatocellular carcinoma. Review status: no classification provided. Collection method: in vitro. Allele origin: not applicable. Functional consequence: retained intron. Not counted in ClinVar's aggregate classification.

Dr. Peter K. Rogan Lab, Western University
No classification provided (evidence only). Condition: Hepatocellular carcinoma. Review status: no classification provided. Collection method: in vitro. Allele origin: not applicable. Functional consequence: retained intron. Not counted in ClinVar's aggregate classification.

Dr. Peter K. Rogan Lab, Western University
No classification provided (evidence only). Condition: Hepatocellular carcinoma. Review status: no classification provided. Collection method: in vitro. Allele origin: not applicable. Functional consequence: retained intron. Not counted in ClinVar's aggregate classification.

Dr. Peter K. Rogan Lab, Western University
No classification provided (evidence only). Condition: Hepatocellular carcinoma. Review status: no classification provided. Collection method: in vitro. Allele origin: not applicable. Functional consequence: retained intron. Not counted in ClinVar's aggregate classification.

Dr. Peter K. Rogan Lab, Western University
No classification provided (evidence only). Condition: Hepatocellular carcinoma. Review status: no classification provided. Collection method: in vitro. Allele origin: not applicable. Functional consequence: retained intron. Not counted in ClinVar's aggregate classification.

Dr. Peter K. Rogan Lab, Western University
No classification provided (evidence only). Condition: Hepatocellular carcinoma. Review status: no classification provided. Collection method: in vitro. Allele origin: not applicable. Functional consequence: retained intron. Not counted in ClinVar's aggregate classification.

Dr. Peter K. Rogan Lab, Western University
No classification provided (evidence only). Condition: Hepatocellular carcinoma. Review status: no classification provided. Collection method: in vitro. Allele origin: not applicable. Functional consequence: retained intron. Not counted in ClinVar's aggregate classification.

Dr. Peter K. Rogan Lab, Western University
No classification provided (evidence only). Condition: Hepatocellular carcinoma. Review status: no classification provided. Collection method: in vitro. Allele origin: not applicable. Functional consequence: retained intron. Not counted in ClinVar's aggregate classification.

Dr. Peter K. Rogan Lab, Western University
No classification provided (evidence only). Condition: Hepatocellular carcinoma. Review status: no classification provided. Collection method: in vitro. Allele origin: not applicable. Functional consequence: retained intron. Not counted in ClinVar's aggregate classification.

Dr. Peter K. Rogan Lab, Western University
No classification provided (evidence only). Condition: Hepatocellular carcinoma. Review status: no classification provided. Collection method: in vitro. Allele origin: not applicable. Functional consequence: retained intron. Not counted in ClinVar's aggregate classification.

Dr. Peter K. Rogan Lab, Western University
No classification provided (evidence only). Condition: Hepatocellular carcinoma. Review status: no classification provided. Collection method: in vitro. Allele origin: not applicable. Functional consequence: retained intron. Not counted in ClinVar's aggregate classification.

Dr. Peter K. Rogan Lab, Western University
No classification provided (evidence only). Condition: Thymoma. Review status: no classification provided. Collection method: in vitro. Allele origin: not applicable. Functional consequence: retained intron. Not counted in ClinVar's aggregate classification.

Dr. Peter K. Rogan Lab, Western University
No classification provided (evidence only). Condition: Thymoma. Review status: no classification provided. Collection method: in vitro. Allele origin: not applicable. Functional consequence: retained intron. Not counted in ClinVar's aggregate classification.

Dr. Peter K. Rogan Lab, Western University
No classification provided (evidence only). Condition: Thymoma. Review status: no classification provided. Collection method: in vitro. Allele origin: not applicable. Functional consequence: retained intron. Not counted in ClinVar's aggregate classification.

Dr. Peter K. Rogan Lab, Western University
No classification provided (evidence only). Condition: Thymoma. Review status: no classification provided. Collection method: in vitro. Allele origin: not applicable. Functional consequence: retained intron. Not counted in ClinVar's aggregate classification.

Dr. Peter K. Rogan Lab, Western University
No classification provided (evidence only). Condition: Thymoma. Review status: no classification provided. Collection method: in vitro. Allele origin: not applicable. Functional consequence: retained intron. Not counted in ClinVar's aggregate classification.

Dr. Peter K. Rogan Lab, Western University
No classification provided (evidence only). Condition: Thymoma. Review status: no classification provided. Collection method: in vitro. Allele origin: not applicable. Functional consequence: retained intron. Not counted in ClinVar's aggregate classification.

Dr. Peter K. Rogan Lab, Western University
No classification provided (evidence only). Condition: Cholangiocarcinoma. Review status: no classification provided. Collection method: in vitro. Allele origin: not applicable. Functional consequence: retained intron. Not counted in ClinVar's aggregate classification.

Dr. Peter K. Rogan Lab, Western University
No classification provided (evidence only). Condition: Gastric cancer. Review status: no classification provided. Collection method: in vitro. Allele origin: not applicable. Functional consequence: retained intron. Not counted in ClinVar's aggregate classification.

Dr. Peter K. Rogan Lab, Western University
No classification provided (evidence only). Condition: Gastric cancer. Review status: no classification provided. Collection method: in vitro. Allele origin: not applicable. Functional consequence: retained intron. Not counted in ClinVar's aggregate classification.

Dr. Peter K. Rogan Lab, Western University
No classification provided (evidence only). Condition: Gastric cancer. Review status: no classification provided. Collection method: in vitro. Allele origin: not applicable. Functional consequence: retained intron. Not counted in ClinVar's aggregate classification.

Dr. Peter K. Rogan Lab, Western University
No classification provided (evidence only). Condition: Adrenocortical carcinoma, hereditary. Review status: no classification provided. Collection method: in vitro. Allele origin: not applicable. Functional consequence: retained intron. Not counted in ClinVar's aggregate classification.

Dr. Peter K. Rogan Lab, Western University
No classification provided (evidence only). Condition: Adrenocortical carcinoma, hereditary. Review status: no classification provided. Collection method: in vitro. Allele origin: not applicable. Functional consequence: retained intron. Not counted in ClinVar's aggregate classification.

Dr. Peter K. Rogan Lab, Western University
No classification provided (evidence only). Condition: Malignant tumor of esophagus. Review status: no classification provided. Collection method: in vitro. Allele origin: not applicable. Functional consequence: retained intron. Not counted in ClinVar's aggregate classification.

Dr. Peter K. Rogan Lab, Western University
No classification provided (evidence only). Condition: Malignant tumor of esophagus. Review status: no classification provided. Collection method: in vitro. Allele origin: not applicable. Functional consequence: retained intron. Not counted in ClinVar's aggregate classification.

Dr. Peter K. Rogan Lab, Western University
No classification provided (evidence only). Condition: Malignant tumor of esophagus. Review status: no classification provided. Collection method: in vitro. Allele origin: not applicable. Functional consequence: retained intron. Not counted in ClinVar's aggregate classification.

Dr. Peter K. Rogan Lab, Western University
No classification provided (evidence only). Condition: Chronic lymphocytic leukemia/small lymphocytic lymphoma. Review status: no classification provided. Collection method: in vitro. Allele origin: not applicable. Functional consequence: retained intron. Not counted in ClinVar's aggregate classification.

Dr. Peter K. Rogan Lab, Western University
No classification provided (evidence only). Condition: Chronic lymphocytic leukemia/small lymphocytic lymphoma. Review status: no classification provided. Collection method: in vitro. Allele origin: not applicable. Functional consequence: retained intron. Not counted in ClinVar's aggregate classification.